The following is an entry in ClinVar:

ClinVar aggregate classification (germline): Uncertain significance (1 of 4 stars; one submission).

Conditions:
Emery-Dreifuss muscular dystrophy 5, autosomal dominant (EDMD5). Also called: EMERY-DREIFUSS MUSCULAR DYSTROPHY 5. Identifiers: Orphanet 261, MedGen C2751805, MONDO:0013072, OMIM 612999.

Allele frequency attached by ClinVar (database versions not stated): ExAC 0.00001.

Submission:

Labcorp Genetics (formerly Invitae), Labcorp
Classification: Uncertain significance for Emery-Dreifuss muscular dystrophy 5, autosomal dominant. Last evaluated: 2021-12-27. Review status: criteria provided, single submitter. Criteria: Invitae Variant Classification Sherloc (09022015). Collection method: clinical testing. Allele origin: germline.
Comment: In summary, the available evidence is currently insufficient to determine the role of this variant in disease. Therefore, it has been classified as a Variant of Uncertain Significance. Algorithms developed to predict the effect of missense changes on protein structure and function are either unavailable or do not agree on the potential impact of this missense change (SIFT: "Tolerated"; PolyPhen-2: "Probably Damaging"; Align-GVGD: "Class C0"). This variant has not been reported in the literature in individuals affected with SYNE2-related conditions. This variant is present in population databases (rs756857592, gnomAD 0.0009%). This sequence change replaces threonine, which is neutral and polar, with alanine, which is neutral and non-polar, at codon 1808 of the SYNE2 protein (p.Thr1808Ala).

NM_182914.3(SYNE2):c.5422A>G (p.Thr1808Ala)

Gene: SYNE2 (spectrin repeat containing nuclear envelope protein 2; plus strand). Cytogenetic location: 14q23.2.
Variant type: single nucleotide variant.
Coding change: c.5422A>G on transcript NM_182914.3 (MANE Select); coding-DNA position 5422, A replaced by G.
Protein change: p.Thr1808Ala; replaces threonine 1808 with alanine.
Molecular consequence: missense variant.
Genome position (GRCh38, 1-based): chr14:64,021,926, A>G. VCF-style: chr14-64021926-A-G. GRCh37 (hg19) VCF-style: chr14-64488644-A-G.
Other names: c.5422A>G, p.Thr1808Ala (NM_015180.6); short protein forms T1808A.
Identifiers: ClinVar variation 1961143 (VCV001961143.5), dbSNP rs756857592, ClinGen allele CA7220459.